The following is an entry in ClinVar:

NM_005445.4(SMC3):c.3633A>T (p.Glu1211Asp)

Gene: SMC3 (structural maintenance of chromosomes 3; plus strand). Cytogenetic location: 10q25.2.
Variant type: single nucleotide variant.
Coding change: c.3633A>T on transcript NM_005445.4 (MANE Select); coding-DNA position 3633, A replaced by T.
Protein change: p.Glu1211Asp; replaces glutamic acid 1211 with aspartic acid.
Molecular consequence: missense variant.
Genome position (GRCh38, 1-based): chr10:110,604,281, A>T. VCF-style: chr10-110604281-A-T. GRCh37 (hg19) VCF-style: chr10-112364039-A-T.
Other names: short protein forms E1211D.
Identifiers: ClinVar variation 1702631 (VCV001702631.2), dbSNP rs753487430, ClinGen allele CA378395888.

ClinVar aggregate classification (germline): Uncertain significance (1 of 4 stars; one submission).

gnomAD v4.1: 1 of 1,609,506 alleles (0.000062%); no homozygotes.

Submission:

GeneDx
Classification: Uncertain significance. Last evaluated: 2022-02-22. Review status: criteria provided, single submitter. Criteria: GeneDx Variant Classification Process June 2021. Collection method: clinical testing. Allele origin: germline. Affected: yes.
Comment: Not observed at significant frequency in large population cohorts (gnomAD); In silico analysis supports that this missense variant does not alter protein structure/function; Has not been previously published as pathogenic or benign to our knowledge